The following is an entry in ClinVar:

NM_015335.5(MED13L):c.4261A>G (p.Ile1421Val)

Gene: MED13L (mediator complex subunit 13L; minus strand). Cytogenetic location: 12q24.21.
Variant type: single nucleotide variant.
Coding change: c.4261A>G on transcript NM_015335.5 (MANE Select); coding-DNA position 4261, A replaced by G.
Protein change: p.Ile1421Val; replaces isoleucine 1421 with valine.
Molecular consequence: missense variant.
Genome position (GRCh38, 1-based): chr12:115,986,343, T>C on the plus strand (A>G on the coding strand, the complement: MED13L is on the minus strand). VCF-style: chr12-115986343-T-C. GRCh37 (hg19) VCF-style: chr12-116424148-T-C.
Other names: short protein forms I1421V.
Identifiers: ClinVar variation 994208 (VCV000994208.16), dbSNP rs747089502, ClinGen allele CA6810841.
Genomic context (GRCh38, chr12:115,986,343, plus strand): 5'-AGTCCCTGAAGAAAGTTTTGGCTCCTTCGAGCAAGGCCTCATTTTCTGGACACACCACAA[T>C]ATAGGCAACATCACGGTGGCCCCCATATGGGTCCAACAAGAGCCTCTCCCAAAACGGCAA-3'
Protein context (NP_056150.1, residues 1411-1431): PYGGHRDVAY[Ile1421Val]VVCPENEALL

ClinVar aggregate classification (germline): Uncertain significance. Review status: criteria provided, multiple submitters, no conflicts (2 of 4 stars). 2 submissions from 2 submitters: Uncertain significance (2). Last evaluated 2021-02-16.

Conditions:
Dextro-looped transposition of the great arteries. Also called: Dextrotransposition of the great arteries. Identifiers: Orphanet 860, MedGen C3531771, MONDO:0019443, OMIM 608808, HP:0031348.

Allele frequency attached by ClinVar (database versions not stated): TOPMed 0.00003; gnomAD exomes 0.00001; ExAC 0.00002; gnomAD 0.00003.
gnomAD v4.1: 20 of 1,613,948 alleles (0.0012%); highest among the groups gnomAD compares: East Asian, 0.025%; no homozygotes.

Submissions (2):

Labcorp Genetics (formerly Invitae), Labcorp
Classification: Uncertain significance for Dextro-looped transposition of the great arteries. Last evaluated: 2021-02-16. Review status: criteria provided, single submitter. Criteria: Invitae Variant Classification Sherloc (09022015). Collection method: clinical testing. Allele origin: germline.
Comment: In summary, the available evidence is currently insufficient to determine the role of this variant in disease. Therefore, it has been classified as a Variant of Uncertain Significance. Advanced modeling of protein sequence and biophysical properties (such as structural, functional, and spatial information, amino acid conservation, physicochemical variation, residue mobility, and thermodynamic stability) performed at Invitae indicates that this missense variant is not expected to disrupt MED13L protein function. This variant has not been reported in the literature in individuals with MED13L-related conditions. This variant is present in population databases (rs747089502, ExAC 0.02%). This sequence change replaces isoleucine with valine at codon 1421 of the MED13L protein (p.Ile1421Val). The isoleucine residue is moderately conserved and there is a small physicochemical difference between isoleucine and valine.

ARUP Laboratories, Molecular Genetics and Genomics, ARUP Laboratories
Classification: Uncertain significance. Last evaluated: 2020-01-09. Review status: criteria provided, single submitter. Criteria: ARUP Molecular Germline Variant Investigation Process. Collection method: clinical testing. Allele origin: germline.